The following is an entry in ClinVar:

NM_001171.6(ABCC6):c.3088C>G (p.Arg1030Gly)

Gene: ABCC6 (ATP binding cassette subfamily C member 6; minus strand). Cytogenetic location: 16p13.11.
Variant type: single nucleotide variant.
Coding change: c.3088C>G on transcript NM_001171.6 (MANE Select); coding-DNA position 3088, C replaced by G.
Protein change: p.Arg1030Gly; replaces arginine 1030 with glycine.
Molecular consequence: missense variant. On other transcripts: non-coding transcript variant (4).
Genome position (GRCh38, 1-based): chr16:16,165,841, G>C on the plus strand (C>G on the coding strand, the complement: ABCC6 is on the minus strand). VCF-style: chr16-16165841-G-C. GRCh37 (hg19) VCF-style: chr16-16259698-G-C.
Other names: c.2746C>G, p.Arg916Gly (NM_001351800.1); c.3055C>G, p.Arg1019Gly (NM_001440309.1); c.2920C>G, p.Arg974Gly (NM_001440310.1); short protein forms R1030G, R974G, R1019G, R916G.
Identifiers: ClinVar variation 4692739 (VCV004692739.1).

ClinVar aggregate classification (germline): Uncertain significance (1 of 4 stars; one submission).

Submission:

Labcorp Genetics (formerly Invitae), Labcorp
Classification: Uncertain significance. Last evaluated: 2025-12-11. Review status: criteria provided, single submitter. Criteria: Invitae Variant Classification Sherloc (09022015). Collection method: clinical testing. Allele origin: germline.
Comment: This sequence change replaces arginine, which is basic and polar, with glycine, which is neutral and non-polar, at codon 1030 of the ABCC6 protein (p.Arg1030Gly). This variant is not present in population databases (gnomAD no frequency). This variant has not been reported in the literature in individuals affected with ABCC6-related conditions. Invitae Evidence Modeling of protein sequence and biophysical properties (such as structural, functional, and spatial information, amino acid conservation, physicochemical variation, residue mobility, and thermodynamic stability) has been performed for this missense variant. However, the output from this modeling did not meet the statistical confidence thresholds required to predict the impact of this variant on ABCC6 protein function. In summary, the available evidence is currently insufficient to determine the role of this variant in disease. Therefore, it has been classified as a Variant of Uncertain Significance.